The following is an entry in ClinVar:

NM_004304.5(ALK):c.2131A>C (p.Ser711Arg)

Gene: ALK (ALK receptor tyrosine kinase; minus strand). Cytogenetic location: 2p23.2.
Variant type: single nucleotide variant.
Coding change: c.2131A>C on transcript NM_004304.5 (MANE Select); coding-DNA position 2131, A replaced by C.
Protein change: p.Ser711Arg; replaces serine 711 with arginine.
Molecular consequence: missense variant.
Genome position (GRCh38, 1-based): chr2:29,251,178, T>G on the plus strand (A>C on the coding strand, the complement: ALK is on the minus strand). VCF-style: chr2-29251178-T-G. GRCh37 (hg19) VCF-style: chr2-29474044-T-G.
Other names: c.2131A>C (NM_004304.4); short protein forms S711R.
Identifiers: ClinVar variation 1354330 (VCV001354330.7), dbSNP rs1166188112, ClinGen allele CA346476932.

ClinVar aggregate classification (germline): Uncertain significance. Review status: criteria provided, multiple submitters, no conflicts (2 of 4 stars). 2 submissions from 2 submitters: Uncertain significance (2). Last evaluated 2025-01-20.

Conditions:
Hereditary cancer-predisposing syndrome. Also called: Hereditary Cancer Syndrome; Hereditary neoplastic syndrome; Tumor predisposition; Neoplastic Syndromes, Hereditary. Identifiers: Orphanet 140162, MedGen C0027672, MeSH D009386, MONDO:0015356.
Neuroblastoma, susceptibility to, 3. Also called: ALK-Related Neuroblastic Tumor Susceptibility. Identifiers: Orphanet 635, MedGen C2751681, MONDO:0013083, OMIM 613014.

Allele frequency attached by ClinVar (database versions not stated): gnomAD exomes 0.00001; TOPMed 0.00002.
gnomAD v4.1: 3 of 1,614,028 alleles (0.00019%); highest among the groups gnomAD compares: East Asian, 0.0067%; no homozygotes.

Submissions (2):

Ambry Genetics
Classification: Uncertain significance for Hereditary cancer-predisposing syndrome. Last evaluated: 2025-01-20. Review status: criteria provided, single submitter. Criteria: Ambry Variant Classification Scheme 2023. Collection method: clinical testing. Allele origin: germline.
Comment: The p.S711R variant (also known as c.2131A>C), located in coding exon 12 of the ALK gene, results from an A to C substitution at nucleotide position 2131. The serine at codon 711 is replaced by arginine, an amino acid with dissimilar properties. This amino acid position is not well conserved in available vertebrate species. In addition, this alteration is predicted to be tolerated by in silico analysis. Based on the available evidence, the clinical significance of this variant remains unclear.

Labcorp Genetics (formerly Invitae), Labcorp
Classification: Uncertain significance for Neuroblastoma, susceptibility to, 3. Last evaluated: 2024-10-12. Review status: criteria provided, single submitter. Criteria: Invitae Variant Classification Sherloc (09022015). Collection method: clinical testing. Allele origin: germline.
Comment: This sequence change replaces serine, which is neutral and polar, with arginine, which is basic and polar, at codon 711 of the ALK protein (p.Ser711Arg). This variant is present in population databases (no rsID available, gnomAD 0.02%). This variant has not been reported in the literature in individuals affected with ALK-related conditions. ClinVar contains an entry for this variant (Variation ID: 1354330). An algorithm developed to predict the effect of missense changes on protein structure and function (PolyPhen-2) suggests that this variant is likely to be tolerated. In summary, the available evidence is currently insufficient to determine the role of this variant in disease. Therefore, it has been classified as a Variant of Uncertain Significance.